The following is an entry in ClinVar:

NM_002637.4(PHKA1):c.3439A>G (p.Ser1147Gly)

Gene: PHKA1 (phosphorylase kinase regulatory subunit alpha 1; minus strand). Cytogenetic location: Xq13.1.
Variant type: single nucleotide variant.
Coding change: c.3439A>G on transcript NM_002637.4 (MANE Select); coding-DNA position 3439, A replaced by G.
Protein change: p.Ser1147Gly; replaces serine 1147 with glycine.
Molecular consequence: missense variant.
Genome position (GRCh38, 1-based): chrX:72,582,457, T>C on the plus strand (A>G on the coding strand, the complement: PHKA1 is on the minus strand). VCF-style: chrX-72582457-T-C. GRCh37 (hg19) VCF-style: chrX-71802307-T-C.
Other names: c.3400A>G, p.Ser1134Gly (NM_001122670.2); c.3223A>G, p.Ser1075Gly (NM_001172436.2); c.3439A>G (NM_002637.3); short protein forms S1075G, S1147G, S1134G.
Identifiers: ClinVar variation 2158709 (VCV002158709.5), dbSNP rs145791688, ClinGen allele CA10450459.
Genomic context (GRCh38, chrX:72,582,457, plus strand): 5'-CCTGTTCTTGAAGGAACAAGTCATTGGCAATATGCACTATTTTTTCCACAGCAATGATGC[T>C]TCCGATGCTATGAATTTCAATATCTGCCAGCATGGTGAGGACAAGGATGGCTTCAACCAG-3'
Protein context (NP_002628.2, residues 1137-1157): LADIEIHSIG[Ser1147Gly]IIAVEKIVHI

ClinVar aggregate classification (germline): Uncertain significance. Review status: criteria provided, multiple submitters, no conflicts (2 of 4 stars). 2 submissions from 2 submitters: Uncertain significance (2). Last evaluated 2024-12-22.

Conditions:
Inborn genetic diseases. Identifiers: MedGen C0950123, MeSH D030342.
Glycogen storage disease IXd (GSD9D). Also called: GSD IXd; Muscle Phosphorylase Kinase Deficiency. Identifiers: Orphanet 715, MedGen C1845151, MONDO:0010362, OMIM 300559.

Allele frequency attached by ClinVar (database versions not stated): ExAC 0.00002; gnomAD 0.00002; TOPMed 0.00002; gnomAD exomes 0.00004; ESP Exome Variant Server 0.00009.
gnomAD v4.1: 52 of 1,206,267 alleles (0.0043%); highest among the groups gnomAD compares: Non-Finnish European, 0.0053%; no homozygotes.

Submissions (2):

Labcorp Genetics (formerly Invitae), Labcorp
Classification: Uncertain significance for Glycogen storage disease IXd. Last evaluated: 2024-12-22. Review status: criteria provided, single submitter. Criteria: Invitae Variant Classification Sherloc (09022015). Collection method: clinical testing. Allele origin: germline.
Comment: This sequence change replaces serine, which is neutral and polar, with glycine, which is neutral and non-polar, at codon 1147 of the PHKA1 protein (p.Ser1147Gly). This variant is present in population databases (rs145791688, gnomAD 0.004%). This variant has not been reported in the literature in individuals affected with PHKA1-related conditions. ClinVar contains an entry for this variant (Variation ID: 2158709). An algorithm developed to predict the effect of missense changes on protein structure and function outputs the following: PolyPhen-2: "Benign". The glycine amino acid residue is found in multiple mammalian species, which suggests that this missense change does not adversely affect protein function. In summary, the available evidence is currently insufficient to determine the role of this variant in disease. Therefore, it has been classified as a Variant of Uncertain Significance.

Ambry Genetics
Classification: Uncertain significance for Inborn genetic diseases. Last evaluated: 2022-11-17. Review status: criteria provided, single submitter. Criteria: Ambry Variant Classification Scheme 2023. Collection method: clinical testing. Allele origin: germline.